The following is an entry in ClinVar:

ClinVar aggregate classification (germline): Likely benign (1 of 4 stars; one submission).

Allele frequency attached by ClinVar (database versions not stated): gnomAD exomes 0.00001; TOPMed 0.00001; gnomAD 0.00002; ExAC 0.00003.
gnomAD v4.1: 21 of 1,613,656 alleles (0.0013%); highest among the groups gnomAD compares: Middle Eastern, 0.033%; no homozygotes.

Submission:

CeGaT Center for Human Genetics Tuebingen
Classification: Likely benign. Last evaluated: 2022-12-01. Review status: criteria provided, single submitter. Criteria: CeGaT Center For Human Genetics Tuebingen Variant Classification Criteria Version 2. Collection method: clinical testing. Allele origin: germline. Affected: yes. Observed: 2 variant alleles.
Comment: PCNX2: BP4

NM_014801.4(PCNX2):c.4248C>T (p.Gly1416=)

Gene: PCNX2 (pecanex 2; minus strand). Cytogenetic location: 1q42.2.
Variant type: single nucleotide variant.
Coding change: c.4248C>T on transcript NM_014801.4 (MANE Select); coding-DNA position 4248, C replaced by T.
Protein change: p.Gly1416=; no amino-acid change (glycine 1416 retained).
Molecular consequence: synonymous variant.
Genome position (GRCh38, 1-based): chr1:233,054,371, G>A on the plus strand (C>T on the coding strand, the complement: PCNX2 is on the minus strand). VCF-style: chr1-233054371-G-A. GRCh37 (hg19) VCF-style: chr1-233190117-G-A.
Identifiers: ClinVar variation 2640085 (VCV002640085.24), dbSNP rs747167792, ClinGen allele CA1457356.